The following is an entry in ClinVar:

ClinVar aggregate classification (germline): Uncertain significance. Review status: criteria provided, multiple submitters, no conflicts (2 of 4 stars). 2 submissions from 2 submitters: Uncertain significance (2). Last evaluated 2023-01-20.

Conditions:
Developmental and epileptic encephalopathy, 9 (DEE9). Also called: JUBERG-HELLMAN SYNDROME; EPILEPSY, FEMALE-RESTRICTED, WITH MENTAL RETARDATION; Early infantile epileptic encephalopathy 9; PCDH19-Related X-Linked Female-Limited Epilepsy with Mental Retardation. Identifiers: Orphanet 101039, Orphanet 2076, MedGen C1848137, MONDO:0010246, OMIM 300088. Disease mechanism: loss of function.

Allele frequency attached by ClinVar (database versions not stated): gnomAD exomes 0.00001.

Submissions (2):

Labcorp Genetics (formerly Invitae), Labcorp
Classification: Uncertain significance for Developmental and epileptic encephalopathy, 9. Last evaluated: 2023-01-20. Review status: criteria provided, single submitter. Criteria: Invitae Variant Classification Sherloc (09022015). Collection method: clinical testing. Allele origin: germline.
Comment: In summary, the available evidence is currently insufficient to determine the role of this variant in disease. Therefore, it has been classified as a Variant of Uncertain Significance. Advanced modeling of protein sequence and biophysical properties (such as structural, functional, and spatial information, amino acid conservation, physicochemical variation, residue mobility, and thermodynamic stability) performed at Invitae indicates that this missense variant is not expected to disrupt PCDH19 protein function. ClinVar contains an entry for this variant (Variation ID: 159560). This variant has not been reported in the literature in individuals affected with PCDH19-related conditions. This variant is present in population databases (rs587784298, gnomAD 0.008%). This sequence change replaces threonine, which is neutral and polar, with isoleucine, which is neutral and non-polar, at codon 229 of the PCDH19 protein (p.Thr229Ile).

Genetic Services Laboratory, University of Chicago
Classification: Uncertain significance for Epileptic encephalopathy, early infantile, 9. Last evaluated: 2014-05-30. Review status: criteria provided, single submitter. Criteria: ACMG Guidelines, 2015. Collection method: clinical testing. Allele origin: germline. Inheritance: X-linked inheritance.

NM_001184880.2(PCDH19):c.686C>T (p.Thr229Ile)

Gene: PCDH19 (protocadherin 19; minus strand). Cytogenetic location: Xq22.1.
Variant type: single nucleotide variant.
Coding change: c.686C>T on transcript NM_001184880.2 (MANE Select); coding-DNA position 686, C replaced by T.
Protein change: p.Thr229Ile; replaces threonine 229 with isoleucine.
Molecular consequence: missense variant.
Genome position (GRCh38, 1-based): chrX:100,407,912, G>A on the plus strand (C>T on the coding strand, the complement: PCDH19 is on the minus strand). VCF-style: chrX-100407912-G-A. GRCh37 (hg19) VCF-style: chrX-99662910-G-A.
Other names: c.686C>T, p.Thr229Ile (NM_001105243.2, NM_020766.3); short protein forms T229I.
Identifiers: ClinVar variation 159560 (VCV000159560.10), dbSNP rs587784298, ClinGen allele CA172962.